The following is an entry in ClinVar:

NM_006096.4(NDRG1):c.891+39C>A

Gene: NDRG1 (N-myc downstream regulated 1; minus strand). Cytogenetic location: 8q24.22.
Variant type: single nucleotide variant.
Coding change: c.891+39C>A on transcript NM_006096.4 (MANE Select); 39 bases into the intron after coding-DNA position 891, C replaced by A.
Molecular consequence: intron variant.
Genome position (GRCh38, 1-based): chr8:133,244,316, G>T on the plus strand (C>A on the coding strand, the complement: NDRG1 is on the minus strand). VCF-style: chr8-133244316-G-T. GRCh37 (hg19) VCF-style: chr8-134256559-G-T.
Other names: c.693+39C>A (NM_001258432.2, NM_001374847.1); c.648+39C>A (NM_001258433.2); c.942+39C>A (NM_001374844.1); c.891+39C>A (NM_001135242.2, NM_001374845.1, NM_001374846.1).
Identifiers: ClinVar variation 673449 (VCV000673449.5), dbSNP rs2233341, ClinGen allele CA4886505.

ClinVar aggregate classification (germline): Benign. Review status: criteria provided, multiple submitters, no conflicts (2 of 4 stars). 3 submissions from 3 submitters: Benign (3). Last evaluated 2021-07-10.

Conditions:
Charcot-Marie-Tooth disease type 4D. Also called: CHARCOT-MARIE-TOOTH DISEASE, DEMYELINATING, AUTOSOMAL RECESSIVE, TYPE 4D; CHARCOT-MARIE-TOOTH DISEASE, DEMYELINATING, TYPE 4D; Charcot-Marie-Tooth Neuropathy Type 4D; NEUROPATHY, HEREDITARY MOTOR AND SENSORY, LOM TYPE. Identifiers: Orphanet 99950, MedGen C1832334, MONDO:0011085, OMIM 601455.

Allele frequency attached by ClinVar (database versions not stated): ESP Exome Variant Server 0.09057; gnomAD 0.09513 and 0.09620; TOPMed 0.10567; 1000 Genomes Project 0.11002; 1000 Genomes Project 30x 0.11368.
gnomAD v4.1: 161,228 of 1,612,734 alleles (10%); highest among the groups gnomAD compares: Admixed American, 22%; 8,886 homozygotes.

Submissions (3):

Genome-Nilou Lab
Classification: Benign for Charcot-Marie-Tooth disease type 4D. Last evaluated: 2021-07-10. Review status: criteria provided, single submitter. Criteria: ACMG Guidelines, 2015. Collection method: clinical testing. Allele origin: germline. Affected: no.

GeneDx
Classification: Benign. Last evaluated: 2018-06-20. Review status: criteria provided, single submitter. Criteria: GeneDx Variant Classification (06012015). Collection method: clinical testing. Allele origin: germline. Affected: yes.
Comment: This variant is considered likely benign or benign based on one or more of the following criteria: it is a conservative change, it occurs at a poorly conserved position in the protein, it is predicted to be benign by multiple in silico algorithms, and/or has population frequency not consistent with disease.

Breakthrough Genomics
Classification: Benign. Review status: criteria provided, single submitter. Criteria: ACMG Guidelines, 2015. Collection method: not provided. Allele origin: germline. Inheritance: Autosomal recessive inheritance. Affected: yes.